The following is an entry in ClinVar:

ClinVar aggregate classification (germline): Pathogenic (1 of 4 stars; one submission).

Conditions:
Early-infantile DEE. Also called: Early infantile epileptic encephalopathy with suppression bursts; Early infantile epileptic encephalopathy; Ohtahara syndrome. Identifiers: Orphanet 1934, MedGen C0393706, MONDO:0800491.

Submission:

Labcorp Genetics (formerly Invitae), Labcorp
Classification: Pathogenic for Early-infantile DEE. Last evaluated: 2022-09-01. Review status: criteria provided, single submitter. Criteria: Invitae Variant Classification Sherloc (09022015). Collection method: clinical testing. Allele origin: germline.
Comment: Disruption of this splice site has been observed in individual(s) with Dravet syndrome and/or generalized epilepsy with febrile seizures, plus (PMID: 21248271, 28202706). In at least one individual the variant was observed to be de novo. For these reasons, this variant has been classified as Pathogenic. Variants that disrupt the consensus splice site are a relatively common cause of aberrant splicing (PMID: 17576681, 9536098). Algorithms developed to predict the effect of sequence changes on RNA splicing suggest that this variant may disrupt the consensus splice site. This variant is not present in population databases (gnomAD no frequency). This sequence change affects a donor splice site in intron 25 of the SCN1A gene. While this variant is not anticipated to result in nonsense mediated decay, it likely alters RNA splicing and results in a disrupted protein product.

Literature cited by the submitters: PubMed 21248271; PubMed 28202706; PubMed 17576681; PubMed 9536098.

NM_001165963.4(SCN1A):c.4852+2T>C

Genes: SCN1A (sodium voltage-gated channel alpha subunit 1; minus strand), LOC102724058 (uncharacterized LOC102724058; plus strand). Cytogenetic location: 2q24.3.
Variant type: single nucleotide variant.
Coding change: c.4852+2T>C on transcript NM_001165963.4 (MANE Select); the canonical splice donor site of the intron after coding-DNA position 4852, T replaced by C.
Molecular consequence: splice donor variant.
Genome position (GRCh38, 1-based): chr2:165,994,144, A>G on the plus strand (T>C on the coding strand, the complement: SCN1A is on the minus strand). VCF-style: chr2-165994144-A-G. GRCh37 (hg19) VCF-style: chr2-166850654-A-G.
Other names: c.4819+2T>C (NM_001353949.2, NM_001353950.2, NM_001353951.2 and 2 more transcripts); c.4768+2T>C (NM_001353958.2, NM_001353957.2, NM_001165964.3); c.4852+2T>C (NM_001202435.3, NM_001353948.2); c.4816+2T>C (NM_001353955.2, NM_001353954.2); c.4765+2T>C (NM_001353960.2); c.2410+2T>C (NM_001353961.2).
Identifiers: ClinVar variation 2203175 (VCV002203175.4), dbSNP rs1689669178, ClinGen allele CA349071207.